The following is an entry in ClinVar:

NM_019616.4(F7):c.187G>C (p.Glu63Gln)

Gene: F7 (coagulation factor VII; plus strand). Cytogenetic location: 13q34.
Variant type: single nucleotide variant.
Coding change: c.187G>C on transcript NM_019616.4 (MANE Select); coding-DNA position 187, G replaced by C.
Protein change: p.Glu63Gln; replaces glutamic acid 63 with glutamine.
Molecular consequence: missense variant. On other transcripts: non-coding transcript variant (1), intron variant (1).
Genome position (GRCh38, 1-based): chr13:113,110,812, G>C. VCF-style: chr13-113110812-G-C. GRCh37 (hg19) VCF-style: chr13-113765126-G-C.
Other names: c.253G>C, p.Glu85Gln (NM_000131.5); c.65-3035G>C (NM_001267554.2); short protein forms E63Q, E85Q.
Identifiers: ClinVar variation 3347532 (VCV003347532.1).

ClinVar aggregate classification (germline): Uncertain significance (0 of 4 stars; one submission).

Conditions:
F7-related disorder. Also called: F7-related condition.

Submission:

PreventionGenetics, part of Exact Sciences
Classification: Uncertain significance for F7-related condition. Last evaluated: 2024-05-07. Review status: no assertion criteria provided. Collection method: clinical testing. Allele origin: germline.
Comment: The F7 c.253G>C variant is predicted to result in the amino acid substitution p.Glu85Gln. This variant has been reported in the compound heterozygous state in an individual with Factor VII deficiency (Sharma et al. 2023. PubMed ID: 36571800). A different missense variant in the same codon (p.Glu85Lys, reported as p.E25K) has been reported in an individual with Factor VII deficiency, and functional study showed that p.Glu85Lys would weaken factor VII activity (Nagaizumi et al. 2002. PubMed ID: 12472587) suggesting that substitution of amino acid residue p.Glu85 is not tolerated. This variant is reported in 0.012% of alleles in individuals of Ashkenazi Jewish descent in gnomAD. Although we suspect that this variant may be pathogenic, at this time, the clinical significance of this variant is uncertain due to the absence of conclusive functional and genetic evidence.